The following is an entry in ClinVar:

NM_000521.4(HEXB):c.1541G>T (p.Trp514Leu)

Gene: HEXB (hexosaminidase subunit beta; plus strand). Cytogenetic location: 5q13.3.
Variant type: single nucleotide variant.
Coding change: c.1541G>T on transcript NM_000521.4 (MANE Select); coding-DNA position 1541, G replaced by T.
Protein change: p.Trp514Leu; replaces tryptophan 514 with leucine.
Molecular consequence: missense variant.
Genome position (GRCh38, 1-based): chr5:74,720,675, G>T. VCF-style: chr5-74720675-G-T. GRCh37 (hg19) VCF-style: chr5-74016500-G-T.
Other names: c.866G>T, p.Trp289Leu (NM_001292004.2); short protein forms W514L, W289L.
Identifiers: ClinVar variation 2692552 (VCV002692552.1), dbSNP rs2478773345, ClinGen allele CA360071153.

ClinVar aggregate classification (germline): Uncertain significance (1 of 4 stars; one submission).

Submission:

Greenwood Genetic Center Diagnostic Laboratories, Greenwood Genetic Center
Classification: Uncertain significance. Last evaluated: 2023-10-16. Review status: criteria provided, single submitter. Criteria: ACMG Guidelines, 2015. Collection method: clinical testing. Allele origin: germline. Affected: yes.
Comment: PM2, PP3